The following is an entry in ClinVar:

ClinVar aggregate classification (germline): Uncertain significance. Review status: criteria provided, multiple submitters, no conflicts (2 of 4 stars). 3 submissions from 3 submitters: Uncertain significance (3). Last evaluated 2024-08-21.

Conditions:
Bent bone dysplasia syndrome 1 (BBDS1). Also called: FGFR2-related bent bone dysplasia. Identifiers: Orphanet 313855, MedGen C3281247, MONDO:0013815, OMIM 614592.
Pfeiffer syndrome (ACS5). Also called: ACS V. Identifiers: Orphanet 710, MedGen C0220658, MONDO:0007043, OMIM 101600.
Familial scaphocephaly syndrome, McGillivray type. Also called: SCAPHOCEPHALY, MAXILLARY RETRUSION, AND IMPAIRED INTELLECTUAL DEVELOPMENT. Identifiers: Orphanet 168624, MedGen C1865070, MONDO:0012307, OMIM 609579.
Crouzon syndrome. Also called: CRANIOFACIAL DYSOSTOSIS, TYPE I; Craniofacial dysostosis type 1; Crouzon craniofacial dysostosis; Crouzon disease; Craniofacial dysostosis. Identifiers: Orphanet 207, MedGen C0010273, MeSH D003394, MONDO:0007405, OMIM 123500, HP:0004439.
Beare-Stevenson cutis gyrata syndrome (BSTVS). Identifiers: Orphanet 1555, MedGen C1852406, MONDO:0007412, OMIM 123790.
Saethre-Chotzen syndrome (SCS). Also called: ACROCEPHALY, SKULL ASYMMETRY, AND MILD SYNDACTYLY; ACS III; CHOTZEN SYNDROME. Identifiers: Orphanet 794, MedGen C0175699, MONDO:0007042, OMIM 101400.
LADD syndrome 1 (LADD1). Also called: Lacrimoauriculodentodigital syndrome 1. Identifiers: MedGen C5774323, MONDO:0100302, OMIM 149730.
Acrocephalosyndactyly type I (ACS1). Also called: Apert syndrome; Acrocephalo-syndactyly type 1; ACS 1; Syndactylic oxycephaly. Identifiers: Orphanet 87, MedGen C0001193, MONDO:0007041, OMIM 101200.
Antley-Bixler syndrome without genital anomalies or disordered steroidogenesis (ABS2). Also called: MULTISYNOSTOTIC OSTEODYSGENESIS WITH LONG BONE FRACTURES; Antley-Bixler Syndrome, Autosomal Dominant; Trapezoidocephaly synostosis syndrome; Osteodysgenesis, multisynostotic with fractures. Identifiers: Orphanet 596008, Orphanet 83, MedGen C2936791, MONDO:0020667, OMIM 207410.
Gastric cancer. Also called: Malignant tumor of stomach; Stomach cancer. Identifiers: MedGen C0024623, MeSH D013274, MONDO:0001056, OMIM 613659, HP:0012126.
Jackson-Weiss syndrome (JWS). Also called: CRANIOSYNOSTOSIS, MIDFACIAL HYPOPLASIA, AND FOOT ABNORMALITIES. Identifiers: Orphanet 1540, MedGen C0795998, MONDO:0007400, OMIM 123150. Disease mechanism: loss of function.
Inborn genetic diseases. Identifiers: MedGen C0950123, MeSH D030342.
FGFR2-related craniosynostosis. Identifiers: MedGen CN231480.

Allele frequency attached by ClinVar (database versions not stated): ExAC 0.00001; gnomAD exomes 0.00001; TOPMed 0.00001; gnomAD 0.00002; ESP Exome Variant Server 0.00015.
gnomAD v4.1: 23 of 1,614,086 alleles (0.0014%); highest among the groups gnomAD compares: Non-Finnish European, 0.0019%; no homozygotes.

Submissions (3):

Labcorp Genetics (formerly Invitae), Labcorp
Classification: Uncertain significance for FGFR2-related craniosynostosis. Last evaluated: 2024-08-21. Review status: criteria provided, single submitter. Criteria: Invitae Variant Classification Sherloc (09022015). Collection method: clinical testing. Allele origin: germline.
Comment: This sequence change replaces proline, which is neutral and non-polar, with serine, which is neutral and polar, at codon 54 of the FGFR2 protein (p.Pro54Ser). This variant is present in population databases (rs151126801, gnomAD 0.006%). This variant has not been reported in the literature in individuals affected with FGFR2-related conditions. ClinVar contains an entry for this variant (Variation ID: 2208075). Invitae Evidence Modeling of protein sequence and biophysical properties (such as structural, functional, and spatial information, amino acid conservation, physicochemical variation, residue mobility, and thermodynamic stability) has been performed for this missense variant. However, the output from this modeling did not meet the statistical confidence thresholds required to predict the impact of this variant on FGFR2 protein function. In summary, the available evidence is currently insufficient to determine the role of this variant in disease. Therefore, it has been classified as a Variant of Uncertain Significance.

Fulgent Genetics
Classification: Uncertain significance for Acrocephalosyndactyly type I; Saethre-Chotzen syndrome; Pfeiffer syndrome; Jackson-Weiss syndrome; Crouzon syndrome; Beare-Stevenson cutis gyrata syndrome; LADD syndrome 1; Antley-Bixler syndrome without genital anomalies or disordered steroidogenesis; Familial scaphocephaly syndrome, McGillivray type; Gastric cancer; Bent bone dysplasia syndrome 1. Last evaluated: 2024-06-10. Review status: criteria provided, single submitter. Criteria: ACMG Guidelines, 2015. Collection method: clinical testing. Allele origin: germline.

Ambry Genetics
Classification: Uncertain significance for Inborn genetic diseases. Last evaluated: 2021-03-24. Review status: criteria provided, single submitter. Criteria: Ambry Variant Classification Scheme 2023. Collection method: clinical testing. Allele origin: germline.
Comment: The c.160C>T (p.P54S) alteration is located in exon 3 (coding exon 2) of the FGFR2 gene. This alteration results from a C to T substitution at nucleotide position 160, causing the proline (P) at amino acid position 54 to be replaced by a serine (S). The p.P54S alteration is predicted to be tolerated by in silico analysis. Based on insufficient or conflicting evidence, the clinical significance of this alteration remains unclear.

NM_000141.5(FGFR2):c.160C>T (p.Pro54Ser)

Gene: FGFR2 (fibroblast growth factor receptor 2; minus strand). Cytogenetic location: 10q26.13.
Variant type: single nucleotide variant.
Coding change: c.160C>T on transcript NM_000141.5 (MANE Select); coding-DNA position 160, C replaced by T.
Protein change: p.Pro54Ser; replaces proline 54 with serine.
Molecular consequence: missense variant. On other transcripts: intron variant (9).
Genome position (GRCh38, 1-based): chr10:121,565,654, G>A on the plus strand (C>T on the coding strand, the complement: FGFR2 is on the minus strand). VCF-style: chr10-121565654-G-A. GRCh37 (hg19) VCF-style: chr10-123325168-G-A.
Other names: c.110-1075C>T (NM_023029.3, NM_001441088.1, NM_001144915.2 and 2 more transcripts); c.110-14195C>T (NM_001144916.2, NM_001144918.2, NM_001441091.1 and 1 more transcripts); c.160C>T, p.Pro54Ser (NM_001144913.1, NM_001144914.1, NM_001144917.2 and 3 more transcripts); short protein forms P54S.
Identifiers: ClinVar variation 2208075 (VCV002208075.5), dbSNP rs151126801, ClinGen allele CA5721206.
Genomic context (GRCh38, chr10:121,565,654, plus strand): 5'-TAGTCCAACTGATCACGGCGGCATCTTTCAACAGGCAGCGCACCTCTAGCGACTCCCCTG[G>A]CGCAGCCACGTACACTTCTGGTTGAGAGATTTGGTATTTGGTTGGTGGCTCTGCAGAAAG-3'
Protein context (NP_000132.3, residues 44-64): ISQPEVYVAA[Pro54Ser]GESLEVRCLL